The following is an entry in ClinVar:

NM_000277.3(PAH):c.1199+50G>A

Gene: PAH (phenylalanine hydroxylase; minus strand). Cytogenetic location: 12q23.2.
Variant type: single nucleotide variant.
Coding change: c.1199+50G>A on transcript NM_000277.3 (MANE Select); 50 bases into the intron after coding-DNA position 1199, G replaced by A.
Molecular consequence: intron variant.
Genome position (GRCh38, 1-based): chr12:102,843,596, C>T on the plus strand (G>A on the coding strand, the complement: PAH is on the minus strand). VCF-style: chr12-102843596-C-T. GRCh37 (hg19) VCF-style: chr12-103237374-C-T.
Other names: c.1199+50G>A (NM_001354304.2).
Identifiers: ClinVar variation 1185013 (VCV001185013.1), dbSNP rs369574052, ClinGen allele CA16020963.
Genomic context (GRCh38, chr12:102,843,596, plus strand): 5'-CAAAGTTGCTGTAGACATTGGAGTCCACTCTCCTGGCCAACCACCCACAGATGAGTGGCA[C>T]CAGTCAGGAGGCCCCCAGAGCTAGTGGCTCACCTTTGTCACCACCTCACCTTACTTTCTC-3'

ClinVar aggregate classification (germline): Uncertain significance (3 of 4 stars; one submission).

Conditions:
Phenylketonuria (PKU). Also called: Phenylketonuria (PKU); OLIGOPHRENIA PHENYLPYRUVICA; FOLLING DISEASE; Phenylketonurias. Identifiers: Orphanet 716, MedGen C0031485, MONDO:0009861, OMIM 261600. Disease mechanism: loss of function.

gnomAD v4.1: 16 of 1,606,716 alleles (0.001%); highest among the groups gnomAD compares: South Asian, 0.012%; no homozygotes.

Submission:

ClinGen PAH Variant Curation Expert Panel
Classification: Uncertain significance for Phenylketonuria. Last evaluated: 2020-09-04. Review status: reviewed by expert panel. Criteria: ClinGen PAH ACMG Specifications v1. Collection method: curation. Allele origin: germline. Inheritance: Autosomal recessive inheritance.
Comment: However, this patient is also homozygous for c.441+1G>C (ClinVar 556894, Pathogenic). The c.1199+50G>A variant is present a low frequency in gnomAD with a MAF of 0.000008870 in the South Asian population but it is not highly conserved and is not predicted to have a deleterious effect. Splicing predictors are in consensus that there is no significant impact on splicing signals. In summary, this variant meets criteria to be classified as uncertain significance for PAH. PAH-specific ACMG/AMP criteria applied: PM2, BP7.